The following is an entry in ClinVar:

ClinVar aggregate classification (germline): Uncertain significance (1 of 4 stars; one submission).

Conditions:
Accelerated tumor formation, susceptibility to (ACTFS). Identifiers: MedGen C3280690, OMIM 614401, MONDO:0013733.

Allele frequency attached by ClinVar (database versions not stated): gnomAD 0.00006 and 0.00008; ESP Exome Variant Server 0.00017; 1000 Genomes Project 0.00020; 1000 Genomes Project 30x 0.00031.

Submission:

Labcorp Genetics (formerly Invitae), Labcorp
Classification: Uncertain significance for Accelerated tumor formation, susceptibility to. Last evaluated: 2025-05-30. Review status: criteria provided, single submitter. Criteria: Invitae Variant Classification Sherloc (09022015). Collection method: clinical testing. Allele origin: germline.
Comment: This sequence change replaces glutamine, which is neutral and polar, with histidine, which is basic and polar, at codon 414 of the MDM2 protein (p.Gln414His). This variant is present in population databases (rs201686188, gnomAD 0.03%). This variant has not been reported in the literature in individuals affected with MDM2-related conditions. ClinVar contains an entry for this variant (Variation ID: 1368535). An algorithm developed to predict the effect of missense changes on protein structure and function (PolyPhen-2) suggests that this variant is likely to be disruptive. In summary, the available evidence is currently insufficient to determine the role of this variant in disease. Therefore, it has been classified as a Variant of Uncertain Significance.

NM_002392.6(MDM2):c.1242A>C (p.Gln414His)

Gene: MDM2 (MDM2 proto-oncogene; plus strand). Cytogenetic location: 12q15.
Variant type: single nucleotide variant.
Coding change: c.1242A>C on transcript NM_002392.6 (MANE Select); coding-DNA position 1242, A replaced by C.
Protein change: p.Gln414His; replaces glutamine 414 with histidine.
Molecular consequence: missense variant.
Genome position (GRCh38, 1-based): chr12:68,839,597, A>C. VCF-style: chr12-68839597-A-C. GRCh37 (hg19) VCF-style: chr12-69233377-A-C.
Other names: c.1083A>C, p.Gln361His (NM_001145337.3); c.1077A>C, p.Gln359His (NM_001145339.2); c.636A>C, p.Gln212His (NM_001145340.3); c.714A>C, p.Gln238His (NM_001278462.2); c.1224A>C, p.Gln408His (NM_001367990.1); short protein forms Q212H, Q408H, Q414H, Q238H, Q359H, Q361H.
Identifiers: ClinVar variation 1368535 (VCV001368535.8), dbSNP rs201686188, ClinGen allele CA6678882.
Genomic context (GRCh38, chr12:68,839,597, plus strand): 5'-ACAAGAAAGTGAAGACTATTCTCAGCCATCAACTTCTAGTAGCATTATTTATAGCAGCCA[A>C]GAAGATGTGAAAGAGTTTGAAAGGGAAGAAACCCAAGACAAAGAAGAGAGTGTGGAATCT-3'
Protein context (NP_002383.2, residues 404-424): STSSSIIYSS[Gln414His]EDVKEFEREE